The following is an entry in ClinVar:

ClinVar aggregate classification (germline): Pathogenic/Likely pathogenic. Review status: criteria provided, multiple submitters, no conflicts (2 of 4 stars). 2 submissions from 2 submitters: Pathogenic (1); Likely pathogenic (1). Last evaluated 2025-08-20.

Conditions:
Marfan syndrome (MFS). Also called: MARFAN SYNDROME, TYPE I; Marfan syndrome type 1; Marfan's syndrome; Marfan syndrome, classic; FBN1-Related Marfan Syndrome. Identifiers: Orphanet 284963, Orphanet 558, MedGen C0024796, MONDO:0007947, OMIM 154700.
Familial thoracic aortic aneurysm and aortic dissection (TAAD). Also called: Thoracic aortic aneurysms and dissections. Identifiers: Orphanet 91387, MedGen C4707243, MONDO:0019625.

Submissions (2):

Labcorp Genetics (formerly Invitae), Labcorp
Classification: Pathogenic for Marfan syndrome; Familial thoracic aortic aneurysm and aortic dissection. Last evaluated: 2025-08-20. Review status: criteria provided, single submitter. Criteria: Invitae Variant Classification Sherloc (09022015). Collection method: clinical testing. Allele origin: germline.
Comment: This sequence change affects a donor splice site in intron 43 of the FBN1 gene. It is expected to disrupt RNA splicing. Variants that disrupt the donor or acceptor splice site typically lead to a loss of protein function (PMID: 16199547), and loss-of-function variants in FBN1 are known to be pathogenic (PMID: 17657824, 19293843). This variant is not present in population databases (gnomAD no frequency). Disruption of this splice site has been observed in individuals with clinical features of FBN1-related conditions (PMID: 27906200; internal data). ClinVar contains an entry for this variant (Variation ID: 2921147). Algorithms developed to predict the effect of sequence changes on RNA splicing suggest that this variant may disrupt the consensus splice site. For these reasons, this variant has been classified as Pathogenic.

ARUP Laboratories, Molecular Genetics and Genomics, ARUP Laboratories
Classification: Likely pathogenic. Last evaluated: 2023-10-18. Review status: criteria provided, single submitter. Criteria: ARUP Molecular Germline Variant Investigation Process 2024. Collection method: clinical testing. Allele origin: germline.
Comment: The FBN1 c.5296+2T>G variant, to our knowledge, is not reported in the medical literature or gene specific databases. This variant is also absent from the Genome Aggregation Database, indicating it is not a common polymorphism. This variant disrupts a canonical splice donor, which is likely to negatively impact gene function. Other variants at this nucleotide or splice junction (c.5296+2T>C, c.5296+1G>A) have been reported in individuals with FBN1-associated phenotypes (Duan 2022, Growth 2017). Based on available information, the c.5296+2T>G variant is considered to be likely pathogenic. References: Duan DM et al. Clinical manifestations and genetic characteristics in the Taiwan thoracic aortic aneurysm and dissection cohort - a prospective cohort study. J Formos Med Assoc. 2022 Jun;121(6):1093-1101. PMID: 34456093. Groth KA et al. Evaluating the quality of Marfan genotype-phenotype correlations in existing FBN1 databases. Genet Med. 2017 Jul;19(7):772-777. PMID: 27906200.

Literature cited by the submitters: PubMed 16199547 (cited by Labcorp Genetics (formerly Invitae), Labcorp); PubMed 17657824 (cited by Labcorp Genetics (formerly Invitae), Labcorp); PubMed 19293843 (cited by Labcorp Genetics (formerly Invitae), Labcorp); PubMed 27906200 (cited by Labcorp Genetics (formerly Invitae), Labcorp).

NM_000138.5(FBN1):c.5296+2T>G

Gene: FBN1 (fibrillin 1; minus strand). Cytogenetic location: 15q21.1.
Variant type: single nucleotide variant.
Coding change: c.5296+2T>G on transcript NM_000138.5 (MANE Select); the canonical splice donor site of the intron after coding-DNA position 5296, T replaced by G.
Molecular consequence: splice donor variant.
Genome position (GRCh38, 1-based): chr15:48,460,244, A>C on the plus strand (T>G on the coding strand, the complement: FBN1 is on the minus strand). VCF-style: chr15-48460244-A-C. GRCh37 (hg19) VCF-style: chr15-48752441-A-C.
Other names: c.5296+2T>G (NM_001406716.1).
Identifiers: ClinVar variation 2921147 (VCV002921147.4), dbSNP rs113963967, ClinGen allele CA392347934.